The following is an entry in ClinVar:

NM_000755.5(CRAT):c.1036G>A (p.Ala346Thr)

Gene: CRAT (carnitine O-acetyltransferase; minus strand). Cytogenetic location: 9q34.11.
Variant type: single nucleotide variant.
Coding change: c.1036G>A on transcript NM_000755.5 (MANE Select); coding-DNA position 1036, G replaced by A.
Protein change: p.Ala346Thr; replaces alanine 346 with threonine.
Molecular consequence: missense variant.
Genome position (GRCh38, 1-based): chr9:129,099,915, C>T on the plus strand (G>A on the coding strand, the complement: CRAT is on the minus strand). VCF-style: chr9-129099915-C-T. GRCh37 (hg19) VCF-style: chr9-131862194-C-T.
Other names: c.973G>A, p.Ala325Thr (NM_001257363.3, NM_001346548.2, NM_004003.4); c.1039G>A, p.Ala347Thr (NM_001346546.2); c.1036G>A, p.Ala346Thr (NM_001346547.2); c.916G>A, p.Ala306Thr (NM_001346549.2); c.1036G>A (NM_000755.4); short protein forms A325T, A346T, A306T, A347T.
Identifiers: ClinVar variation 741916 (VCV000741916.12), dbSNP rs200277103, ClinGen allele CA5275531.

ClinVar aggregate classification (germline): Likely benign. Review status: criteria provided, single submitter (1 of 4 stars). 2 submissions from 2 submitters: Likely benign (1). 1 of the submissions does not count toward it. Last evaluated 2025-12-04.

Conditions:
CRAT-related disorder. Also called: CRAT-related condition.

Allele frequency attached by ClinVar (database versions not stated): gnomAD 0.00001 and 0.00035; TOPMed 0.00006; gnomAD exomes 0.00064 and 0.00122; ExAC 0.00129; 1000 Genomes Project 0.00220; 1000 Genomes Project 30x 0.00265.
gnomAD v4.1: 991 of 1,613,752 alleles (0.061%); highest among the groups gnomAD compares: South Asian, 1%; 13 homozygotes.

Submissions (2):

Labcorp Genetics (formerly Invitae), Labcorp
Classification: Likely benign. Last evaluated: 2025-12-04. Review status: criteria provided, single submitter. Criteria: Invitae Variant Classification Sherloc (09022015). Collection method: clinical testing. Allele origin: germline.

PreventionGenetics, part of Exact Sciences
Classification: Benign for CRAT-related condition. Last evaluated: 2019-11-16. Review status: no assertion criteria provided. Collection method: clinical testing. Allele origin: germline. Not counted in ClinVar's aggregate classification.
Comment: This variant is classified as benign based on ACMG/AMP sequence variant interpretation guidelines (Richards et al. 2015 PMID: 25741868, with internal and published modifications).